The following is an entry in ClinVar:

ClinVar aggregate classification (germline): Uncertain significance (1 of 4 stars; one submission).

Allele frequency attached by ClinVar (database versions not stated): TOPMed 0.00001.

Submission:

Labcorp Genetics (formerly Invitae), Labcorp
Classification: Uncertain significance. Last evaluated: 2025-01-06. Review status: criteria provided, single submitter. Criteria: Invitae Variant Classification Sherloc (09022015). Collection method: clinical testing. Allele origin: germline.
Comment: This sequence change replaces glutamine, which is neutral and polar, with arginine, which is basic and polar, at codon 725 of the REST protein (p.Gln725Arg). This variant is not present in population databases (gnomAD no frequency). This variant has not been reported in the literature in individuals affected with REST-related conditions. ClinVar contains an entry for this variant (Variation ID: 2957042). An algorithm developed to predict the effect of missense changes on protein structure and function (PolyPhen-2) suggests that this variant is likely to be tolerated. In summary, the available evidence is currently insufficient to determine the role of this variant in disease. Therefore, it has been classified as a Variant of Uncertain Significance.

NM_005612.5(REST):c.2174A>G (p.Gln725Arg)

Gene: REST (RE1 silencing transcription factor; plus strand). Cytogenetic location: 4q12.
Variant type: single nucleotide variant.
Coding change: c.2174A>G on transcript NM_005612.5 (MANE Select); coding-DNA position 2174, A replaced by G.
Protein change: p.Gln725Arg; replaces glutamine 725 with arginine.
Molecular consequence: missense variant.
Genome position (GRCh38, 1-based): chr4:56,931,032, A>G. VCF-style: chr4-56931032-A-G. GRCh37 (hg19) VCF-style: chr4-57797198-A-G.
Other names: c.2174A>G, p.Gln725Arg (NM_001193508.2, NM_001363453.3); short protein forms Q725R.
Identifiers: ClinVar variation 2957042 (VCV002957042.3), dbSNP rs1208592065, ClinGen allele CA357008236.